The following is an entry in ClinVar:

NM_000860.6(HPGD):c.665C>T (p.Pro222Leu)

Gene: HPGD (15-hydroxyprostaglandin dehydrogenase; minus strand). Cytogenetic location: 4q34.1.
Variant type: single nucleotide variant.
Coding change: c.665C>T on transcript NM_000860.6 (MANE Select); coding-DNA position 665, C replaced by T.
Protein change: p.Pro222Leu; replaces proline 222 with leucine.
Molecular consequence: missense variant. On other transcripts: synonymous variant (1).
Genome position (GRCh38, 1-based): chr4:174,492,092, G>A on the plus strand (C>T on the coding strand, the complement: HPGD is on the minus strand). VCF-style: chr4-174492092-G-A. GRCh37 (hg19) VCF-style: chr4-175413243-G-A.
Other names: c.501C>T, p.Pro167= (NM_001145816.3); c.302C>T, p.Pro101Leu (NM_001256301.1, NM_001256307.2); c.424C>T, p.His142Tyr (NM_001256305.2); c.461C>T, p.Pro154Leu (NM_001256306.2); short protein forms P154L, H142Y, P222L, P101L.
Identifiers: ClinVar variation 1479954 (VCV001479954.9), dbSNP rs894906525, ClinGen allele CA111125623.
Genomic context (GRCh38, chr4:174,492,092, plus strand): 5'-ATAGCACCATTTAAAGCATCATCTTCAATGAGTGTTATCAATCCATTGGCAATCAATGGT[G>A]GGCTAAAAATAAAGAAAACAGTATTTTGAAACGAAAGAATGAGGCATATTACCACTTCAT-3'
Protein context (NP_000851.2, residues 212-232): DMIKYYGILD[Pro222Leu]PLIANGLITL

ClinVar aggregate classification (germline): Uncertain significance (1 of 4 stars; one submission).

Allele frequency attached by ClinVar (database versions not stated): gnomAD exomes below 0.00001.
gnomAD v4.1: 1 of 1,610,060 alleles (0.000062%); highest among the groups gnomAD compares: South Asian, 0.0011%; no homozygotes.

Submission:

Labcorp Genetics (formerly Invitae), Labcorp
Classification: Uncertain significance. Last evaluated: 2022-07-19. Review status: criteria provided, single submitter. Criteria: Invitae Variant Classification Sherloc (09022015). Collection method: clinical testing. Allele origin: germline.
Comment: ClinVar contains an entry for this variant (Variation ID: 1479954). In summary, the available evidence is currently insufficient to determine the role of this variant in disease. Therefore, it has been classified as a Variant of Uncertain Significance. Algorithms developed to predict the effect of missense changes on protein structure and function are either unavailable or do not agree on the potential impact of this missense change (SIFT: "Tolerated"; PolyPhen-2: "Possibly Damaging"; Align-GVGD: "Class C0"). This variant has not been reported in the literature in individuals affected with HPGD-related conditions. This variant is not present in population databases (gnomAD no frequency). This sequence change replaces proline, which is neutral and non-polar, with leucine, which is neutral and non-polar, at codon 222 of the HPGD protein (p.Pro222Leu).